The following is an entry in ClinVar:

ClinVar aggregate classification (germline): Uncertain significance (1 of 4 stars; one submission).

Conditions:
Inborn genetic diseases. Identifiers: MedGen C0950123, MeSH D030342.

Submission:

Ambry Genetics
Classification: Uncertain significance for Inborn genetic diseases. Last evaluated: 2026-06-09. Review status: criteria provided, single submitter. Criteria: Ambry Variant Classification Scheme 2023. Collection method: clinical testing. Allele origin: germline.
Comment: The p.K62R variant (also known as c.185A>G), located in coding exon 2 of the BMPR2 gene, results from an A to G substitution at nucleotide position 185. The lysine at codon 62 is replaced by arginine, an amino acid with highly similar properties. This amino acid position is conserved. In addition, the in silico prediction for this alteration is inconclusive. Based on the available evidence, the clinical significance of this variant remains unclear.

NM_001204.7(BMPR2):c.185A>G (p.Lys62Arg)

Gene: BMPR2 (bone morphogenetic protein receptor type 2; plus strand). Cytogenetic location: 2q33.1.
Variant type: single nucleotide variant.
Coding change: c.185A>G on transcript NM_001204.7 (MANE Select); coding-DNA position 185, A replaced by G.
Protein change: p.Lys62Arg; replaces lysine 62 with arginine.
Molecular consequence: missense variant.
Genome position (GRCh38, 1-based): chr2:202,464,917, A>G. VCF-style: chr2-202464917-A-G. GRCh37 (hg19) VCF-style: chr2-203329640-A-G.
Other names: short protein forms K62R.
Identifiers: ClinVar variation 4867660 (VCV004867660.1).
Genomic context (GRCh38, chr2:202,464,917, plus strand): 5'-AAGACCTTGGGATAGGTGAGAGTAGAATCTCTCATGAAAATGGGACAATATTATGCTCGA[A>G]AGGTAGCACCTGCTATGGCCTTTGGGAGAAATCAAAAGGGGACATAAATCTTGTAAAACA-3'
Protein context (NP_001195.2, residues 52-72): SHENGTILCS[Lys62Arg]GSTCYGLWEK